The following is an entry in ClinVar:

NM_032575.3(GLIS2):c.1128C>T (p.Pro376=)

Gene: GLIS2 (GLIS family zinc finger 2; plus strand). Cytogenetic location: 16p13.3.
Variant type: single nucleotide variant.
Coding change: c.1128C>T on transcript NM_032575.3 (MANE Select); coding-DNA position 1128, C replaced by T.
Protein change: p.Pro376=; no amino-acid change (proline 376 retained).
Molecular consequence: synonymous variant.
Genome position (GRCh38, 1-based): chr16:4,337,077, C>T. VCF-style: chr16-4337077-C-T. GRCh37 (hg19) VCF-style: chr16-4387078-C-T.
Other names: c.1128C>T, p.Pro376= (NM_001318918.2).
Identifiers: ClinVar variation 319217 (VCV000319217.10), dbSNP rs750906253, ClinGen allele CA7873201.

ClinVar aggregate classification (germline): Conflicting classifications of pathogenicity. Review status: criteria provided, conflicting classifications (1 of 4 stars). 3 submissions from 3 submitters: Uncertain significance (1); Likely benign (2). Last evaluated 2024-11-08.

Conditions:
Nephronophthisis 7 (NPHP7). Identifiers: Orphanet 655, MedGen C1969092, MONDO:0012680, OMIM 611498.
GLIS2-related disorder. Also called: GLIS2-related condition.
Nephronophthisis. Also called: Juvenile Nephronophthisis. Identifiers: Orphanet 655, MedGen C0687120, MONDO:0019005, HP:0000090.

Allele frequency attached by ClinVar (database versions not stated): gnomAD 0.00003 and 0.00005; TOPMed 0.00005; gnomAD exomes 0.00010 and 0.00024; ExAC 0.00054.
gnomAD v4.1: 143 of 1,538,380 alleles (0.0093%); highest among the groups gnomAD compares: South Asian, 0.12%; no homozygotes.

Submissions (3):

PreventionGenetics, part of Exact Sciences
Classification: Likely benign for GLIS2-related condition. Last evaluated: 2024-11-08. Review status: criteria provided, single submitter. Criteria: ACMG Guidelines, 2015. Collection method: clinical testing. Allele origin: germline.
Comment: This variant is classified as likely benign based on ACMG/AMP sequence variant interpretation guidelines (Richards et al. 2015 PMID: 25741868, with internal and published modifications).

Labcorp Genetics (formerly Invitae), Labcorp
Classification: Likely benign for Nephronophthisis. Last evaluated: 2022-08-20. Review status: criteria provided, single submitter. Criteria: Invitae Variant Classification Sherloc (09022015). Collection method: clinical testing. Allele origin: germline.

Illumina Laboratory Services, Illumina
Classification: Uncertain significance for Nephronophthisis 7. Last evaluated: 2018-01-12. Review status: criteria provided, single submitter. Criteria: ICSL Variant Classification Criteria 13 December 2019. Collection method: clinical testing. Allele origin: germline.